The following is an entry in ClinVar:

ClinVar aggregate classification (germline): Uncertain significance. Review status: criteria provided, multiple submitters, no conflicts (2 of 4 stars). 2 submissions from 2 submitters: Uncertain significance (2). Last evaluated 2026-08-08.

Conditions:
Inborn genetic diseases. Identifiers: MedGen C0950123, MeSH D030342.

Submissions (2):

Ambry Genetics
Classification: Uncertain significance for Inborn genetic diseases. Last evaluated: 2026-08-08. Review status: criteria provided, single submitter. Criteria: Ambry Variant Classification Scheme 2023. Collection method: clinical testing. Allele origin: germline.
Comment: The p.G178R variant (also known as c.532G>C), located in coding exon 5 of the USB1 gene, results from a G to C substitution at nucleotide position 532. The glycine at codon 178 is replaced by arginine, an amino acid with dissimilar properties. This amino acid position is conserved. In addition, this alteration is predicted to be deleterious by in silico analysis. Based on the available evidence, the clinical significance of this variant remains unclear.

Labcorp Genetics (formerly Invitae), Labcorp
Classification: Uncertain significance. Last evaluated: 2022-01-24. Review status: criteria provided, single submitter. Criteria: Invitae Variant Classification Sherloc (09022015). Collection method: clinical testing. Allele origin: germline.
Comment: This sequence change replaces glycine, which is neutral and non-polar, with arginine, which is basic and polar, at codon 178 of the USB1 protein (p.Gly178Arg). This variant is not present in population databases (gnomAD no frequency). In summary, the available evidence is currently insufficient to determine the role of this variant in disease. Therefore, it has been classified as a Variant of Uncertain Significance. Algorithms developed to predict the effect of missense changes on protein structure and function are either unavailable or do not agree on the potential impact of this missense change (SIFT: "Not Available"; PolyPhen-2: "Probably Damaging"; Align-GVGD: "Not Available"). This variant has not been reported in the literature in individuals affected with USB1-related conditions.

NM_024598.4(USB1):c.532G>C (p.Gly178Arg)

Gene: USB1 (U6 snRNA biogenesis phosphodiesterase 1; plus strand). Cytogenetic location: 16q21.
Variant type: single nucleotide variant.
Coding change: c.532G>C on transcript NM_024598.4 (MANE Select); coding-DNA position 532, G replaced by C.
Protein change: p.Gly178Arg; replaces glycine 178 with arginine.
Molecular consequence: missense variant.
Genome position (GRCh38, 1-based): chr16:58,017,362, G>C. VCF-style: chr16-58017362-G-C. GRCh37 (hg19) VCF-style: chr16-58051266-G-C.
Other names: c.478G>C, p.Gly160Arg (NM_001195302.2); c.379G>C, p.Gly127Arg (NM_001330568.2); short protein forms G178R, G127R, G160R.
Identifiers: ClinVar variation 1949647 (VCV001949647.6), dbSNP rs2544734182, ClinGen allele CA396129905.